The following is an entry in ClinVar:

ClinVar aggregate classification (germline): Likely benign. Review status: criteria provided, multiple submitters, no conflicts (2 of 4 stars). 3 submissions from 3 submitters: Likely benign (3). Last evaluated 2025-04-29.

Allele frequency attached by ClinVar (database versions not stated): gnomAD exomes 0.00003 and 0.00004; TOPMed 0.00002; gnomAD 0.00001; ESP Exome Variant Server 0.00008; ExAC 0.00007.
gnomAD v4.1: 47 of 1,610,120 alleles (0.0029%); highest among the groups gnomAD compares: South Asian, 0.0077%; no homozygotes.

Submissions (3):

Mayo Clinic Laboratories, Mayo Clinic
Classification: Likely benign. Last evaluated: 2025-04-29. Review status: criteria provided, single submitter. Criteria: ACMG Guidelines, 2015. Collection method: clinical testing. Allele origin: germline. Observed: 2 variant alleles.
Comment: BP4, BP7

Blueprint Genetics
Classification: Likely benign. Last evaluated: 2024-06-27. Review status: criteria provided, single submitter. Criteria: ACMG Guidelines, 2015. Collection method: clinical testing. Allele origin: germline.

Labcorp Genetics (formerly Invitae), Labcorp
Classification: Likely benign. Last evaluated: 2024-04-27. Review status: criteria provided, single submitter. Criteria: Invitae Variant Classification Sherloc (09022015). Collection method: clinical testing. Allele origin: germline.

NM_006941.4(SOX10):c.993C>T (p.Ser331=)

Genes: POLR2F (RNA polymerase II, I and III subunit F; plus strand), SOX10 (SRY-box transcription factor 10; minus strand). Cytogenetic location: 22q13.1.
Variant type: single nucleotide variant.
Coding change: c.993C>T on transcript NM_006941.4 (MANE Select); coding-DNA position 993, C replaced by T.
Protein change: p.Ser331=; no amino-acid change (serine 331 retained).
Molecular consequence: synonymous variant. On other transcripts: intron variant (3).
Genome position (GRCh38, 1-based): chr22:37,973,903, G>A on the plus strand (C>T on the coding strand, the complement: SOX10 is on the minus strand). VCF-style: chr22-37973903-G-A. GRCh37 (hg19) VCF-style: chr22-38369910-G-A.
Other names: p.Ser331=; c.*38+1593G>A (NM_001363825.1); c.293+6733G>A (NM_001301130.2, NM_001301131.2).
Identifiers: ClinVar variation 705131 (VCV000705131.7), dbSNP rs141262841, ClinGen allele CA10228552.